The following is an entry in ClinVar:

ClinVar aggregate classification (germline): Uncertain significance (1 of 4 stars; one submission).

Submission:

Labcorp Genetics (formerly Invitae), Labcorp
Classification: Uncertain significance. Last evaluated: 2022-06-13. Review status: criteria provided, single submitter. Criteria: Invitae Variant Classification Sherloc (09022015). Collection method: clinical testing. Allele origin: germline.
Comment: This sequence change replaces phenylalanine, which is neutral and non-polar, with leucine, which is neutral and non-polar, at codon 1148 of the PCDH15 protein (p.Phe1148Leu). This variant is not present in population databases (gnomAD no frequency). This variant has not been reported in the literature in individuals affected with PCDH15-related conditions. Algorithms developed to predict the effect of missense changes on protein structure and function output the following: SIFT: "Tolerated"; PolyPhen-2: "Benign"; Align-GVGD: "Class C0". The leucine amino acid residue is found in multiple mammalian species, which suggests that this missense change does not adversely affect protein function. In summary, the available evidence is currently insufficient to determine the role of this variant in disease. Therefore, it has been classified as a Variant of Uncertain Significance.

NM_001384140.1(PCDH15):c.3444C>A (p.Phe1148Leu)

Gene: PCDH15 (protocadherin related 15; minus strand). Cytogenetic location: 10q21.1.
Variant type: single nucleotide variant.
Coding change: c.3444C>A on transcript NM_001384140.1 (MANE Select); coding-DNA position 3444, C replaced by A.
Protein change: p.Phe1148Leu; replaces phenylalanine 1148 with leucine.
Molecular consequence: missense variant.
Genome position (GRCh38, 1-based): chr10:53,903,300, G>T on the plus strand (C>A on the coding strand, the complement: PCDH15 is on the minus strand). VCF-style: chr10-53903300-G-T. GRCh37 (hg19) VCF-style: chr10-55663060-G-T.
Other names: c.3459C>A, p.Phe1153Leu (NM_001142763.2, NM_001142771.2); c.3444C>A, p.Phe1148Leu (NM_001142764.2, NM_001142766.2, NM_001142770.3 and 4 more transcripts); c.3231C>A, p.Phe1077Leu (NM_001142765.2); c.3333C>A, p.Phe1111Leu (NM_001142767.2); c.3378C>A, p.Phe1126Leu (NM_001142768.2, NM_001142773.2, NM_001354404.2); c.3480C>A, p.Phe1160Leu (NM_001142769.4); c.3465C>A, p.Phe1155Leu (NM_001354411.2); short protein forms F1111L, F1126L, F1155L, F1160L, F1077L, F1148L, F1153L.
Identifiers: ClinVar variation 2180725 (VCV002180725.4), dbSNP rs876657562, ClinGen allele CA376525585.